The following is an entry in ClinVar:

ClinVar aggregate classification (germline): Uncertain significance (1 of 4 stars; one submission).

Conditions:
Singleton-Merten syndrome 1 (SGMRT1). Also called: Widened medullary cavities of bone, aortic calcification, abnormal dentition, and muscular weakness; Syndrome of widened medullary cavities of the metacarpals and phalanges, aortic calcification and abnormal dentition. Identifiers: Orphanet 85191, MedGen C4225427, MONDO:0024535, OMIM 182250.
Aicardi-Goutieres syndrome 7 (AGS7). Identifiers: Orphanet 51, MedGen C3888244, MONDO:0014367, OMIM 615846.

Submission:

Labcorp Genetics (formerly Invitae), Labcorp
Classification: Uncertain significance for Aicardi-Goutieres syndrome 7; Singleton-Merten syndrome 1. Last evaluated: 2020-01-24. Review status: criteria provided, single submitter. Criteria: Invitae Variant Classification Sherloc (09022015). Collection method: clinical testing. Allele origin: germline.
Comment: This variant is not present in population databases (ExAC no frequency). This sequence change replaces serine with threonine at codon 435 of the IFIH1 protein (p.Ser435Thr). The serine residue is highly conserved and there is a small physicochemical difference between serine and threonine. This variant has not been reported in the literature in individuals with IFIH1-related conditions. In summary, the available evidence is currently insufficient to determine the role of this variant in disease. Therefore, it has been classified as a Variant of Uncertain Significance. Algorithms developed to predict the effect of missense changes on protein structure and function are either unavailable or do not agree on the potential impact of this missense change (SIFT: "Tolerated"; PolyPhen-2: "Possibly Damaging"; Align-GVGD: "Class C0").

NM_022168.4(IFIH1):c.1303T>A (p.Ser435Thr)

Gene: IFIH1 (interferon induced with helicase C domain 1; minus strand). Cytogenetic location: 2q24.2.
Variant type: single nucleotide variant.
Coding change: c.1303T>A on transcript NM_022168.4 (MANE Select); coding-DNA position 1303, T replaced by A.
Protein change: p.Ser435Thr; replaces serine 435 with threonine.
Molecular consequence: missense variant.
Genome position (GRCh38, 1-based): chr2:162,282,369, A>T on the plus strand (T>A on the coding strand, the complement: IFIH1 is on the minus strand). VCF-style: chr2-162282369-A-T. GRCh37 (hg19) VCF-style: chr2-163138879-A-T.
Other names: short protein forms S435T.
Identifiers: ClinVar variation 836508 (VCV000836508.9), dbSNP rs1682826089, ClinGen allele CA349002645.
Genomic context (GRCh38, chr2:162,282,369, plus strand): 5'-TTTGTTATCATCAATATTACTATTAATTTTTTTAAAAAAATAAACACTTAAACTGACCTG[A>T]CAATTGAACACCAGCATCTTCTCCATTTTCCAAGTTTAAGAGGGAGTTTTCAAGGATTTG-3'
Protein context (NP_071451.2, residues 425-445): ENGEDAGVQL[Ser435Thr]DFSLIIIDEC